The following is an entry in ClinVar:

NM_022489.4(INF2):c.2128G>A (p.Ala710Thr)

Gene: INF2 (inverted formin 2; plus strand). Cytogenetic location: 14q32.33.
Variant type: single nucleotide variant.
Coding change: c.2128G>A on transcript NM_022489.4 (MANE Select); coding-DNA position 2128, G replaced by A.
Protein change: p.Ala710Thr; replaces alanine 710 with threonine.
Molecular consequence: missense variant.
Genome position (GRCh38, 1-based): chr14:104,709,695, G>A. VCF-style: chr14-104709695-G-A. GRCh37 (hg19) VCF-style: chr14-105176032-G-A.
Other names: c.2128G>A, p.Ala710Thr (NM_001031714.4); short protein forms A710T.
Identifiers: ClinVar variation 1055346 (VCV001055346.9), dbSNP rs373806518, ClinGen allele CA391220119.

ClinVar aggregate classification (germline): Uncertain significance (1 of 4 stars; one submission).

Conditions:
Focal segmental glomerulosclerosis 5 (FSGS5). Identifiers: Orphanet 656, MedGen C2750475, MONDO:0013191, OMIM 613237.
Charcot-Marie-Tooth disease dominant intermediate E. Also called: CHARCOT-MARIE-TOOTH NEUROPATHY WITH FOCAL SEGMENTAL GLOMERULONEPHRITIS. Identifiers: Orphanet 93114, MedGen C4302667, MONDO:0013758, OMIM 614455.

Allele frequency attached by ClinVar (database versions not stated): gnomAD exomes below 0.00001.
gnomAD v4.1: 3 of 1,612,540 alleles (0.00019%); highest among the groups gnomAD compares: Admixed American, 0.0033%; no homozygotes.

Submission:

Labcorp Genetics (formerly Invitae), Labcorp
Classification: Uncertain significance for Charcot-Marie-Tooth disease dominant intermediate E; Focal segmental glomerulosclerosis 5. Last evaluated: 2020-07-27. Review status: criteria provided, single submitter. Criteria: Invitae Variant Classification Sherloc (09022015). Collection method: clinical testing. Allele origin: germline.
Comment: In summary, the available evidence is currently insufficient to determine the role of this variant in disease. Therefore, it has been classified as a Variant of Uncertain Significance. Algorithms developed to predict the effect of missense changes on protein structure and function are either unavailable or do not agree on the potential impact of this missense change (SIFT: "Tolerated"; PolyPhen-2: "Not Available"; Align-GVGD: "Class C0"). This variant has not been reported in the literature in individuals with INF2-related conditions. This variant is not present in population databases (ExAC no frequency). This sequence change replaces alanine with threonine at codon 710 of the INF2 protein (p.Ala710Thr). The alanine residue is weakly conserved and there is a small physicochemical difference between alanine and threonine.